The following is an entry in ClinVar:

NM_182548.4(LHFPL5):c.321C>T (p.Leu107=)

Gene: LHFPL5 (LHFPL tetraspan subfamily member 5; plus strand). Cytogenetic location: 6p21.31.
Variant type: single nucleotide variant.
Coding change: c.321C>T on transcript NM_182548.4 (MANE Select); coding-DNA position 321, C replaced by T.
Protein change: p.Leu107=; no amino-acid change (leucine 107 retained).
Molecular consequence: synonymous variant.
Genome position (GRCh38, 1-based): chr6:35,805,991, C>T. VCF-style: chr6-35805991-C-T. GRCh37 (hg19) VCF-style: chr6-35773768-C-T.
Identifiers: ClinVar variation 504607 (VCV000504607.11), dbSNP rs200392480, ClinGen allele CA3774376.

ClinVar aggregate classification (germline): Likely benign. Review status: criteria provided, multiple submitters, no conflicts (2 of 4 stars). 3 submissions from 3 submitters: Likely benign (3). Last evaluated 2024-06-20.

Allele frequency attached by ClinVar (database versions not stated): gnomAD exomes 0.00002 and 0.00008; ExAC 0.00009; 1000 Genomes Project 30x 0.00016; 1000 Genomes Project 0.00020; gnomAD 0.00027 and 0.00028; ESP Exome Variant Server 0.00031; TOPMed 0.00032.
gnomAD v4.1: 73 of 1,614,252 alleles (0.0045%); highest among the groups gnomAD compares: African/African-American, 0.083%; no homozygotes.

Submissions (3):

Labcorp Genetics (formerly Invitae), Labcorp
Classification: Likely benign. Last evaluated: 2024-06-20. Review status: criteria provided, single submitter. Criteria: Invitae Variant Classification Sherloc (09022015). Collection method: clinical testing. Allele origin: germline.

GeneDx
Classification: Likely benign. Last evaluated: 2020-10-06. Review status: criteria provided, single submitter. Criteria: GeneDx Variant Classification Process June 2021. Collection method: clinical testing. Allele origin: germline. Affected: yes.

Laboratory for Molecular Medicine, Mass General Brigham Personalized Medicine
Classification: Likely benign. Last evaluated: 2016-06-21. Review status: criteria provided, single submitter. Criteria: LMM Criteria. Collection method: clinical testing. Allele origin: germline. Observed: 2 variant alleles.
Comment: p.Leu107Leu in Exon 01 of LHFPL5: This variant is not expected to have clinical significance because it does not alter an amino acid residue, is not located wit hin the splice consensus sequence, and has been identified in 0.1% (11/10398) of African chromosomes by the Exome Aggregation Consortium (ExAC; dbSNP rs200392480).